The following is an entry in ClinVar:

ClinVar aggregate classification (germline): Pathogenic/Likely pathogenic. Review status: criteria provided, multiple submitters, no conflicts (2 of 4 stars). 7 submissions from 7 submitters: Pathogenic (3); Likely pathogenic (4). Last evaluated 2026-08-28.

Conditions:
Autosomal recessive nonsyndromic hearing loss 4 (DFNB4). Also called: NEUROSENSORY NONSYNDROMIC RECESSIVE DEAFNESS 4; Nonsyndromic enlarged vestibular aqueduct (NSEVA); Deafness, autosomal recessive 4; Enlarged vestibular aqueduct, digenic; FOXI1-Related Pendred Syndrome; KCNJ10-Related Pendred Syndrome. Identifiers: Orphanet 90636, MedGen C3538946, MONDO:0010933, OMIM 600791.
Pendred syndrome (PDS). Also called: THYROID DYSHORMONOGENESIS 2B; THYROID HORMONOGENESIS, GENETIC DEFECT IN, 2B; Pendred's syndrome; Pendred Syndrome (PDS); DEAFNESS WITH GOITER; GOITER-DEAFNESS SYNDROME. Identifiers: Orphanet 705, MedGen C0271829, MONDO:0010134, OMIM 274600.
Monogenic hearing loss.

gnomAD v4.1: 5 of 1,612,810 alleles (0.00031%); highest among the groups gnomAD compares: East Asian, 0.0045%; no homozygotes.

Submissions (7):

Genetics Laboratory, Great Ormond Street Hospital NHS Foundation Trust, North Thames Genomic Laboratory Hub
Classification: Likely pathogenic for Monogenic hearing loss. Last evaluated: 2026-08-28. Review status: criteria provided, single submitter. Criteria: ACGS Best Practice Guidelines for Variant Classification in Rare Disease 2024 v1.2. Collection method: clinical testing. Allele origin: germline. Affected: yes.
Comment: PM2_moderate, PP3_supporting, PM3_strong

Natera, Inc.
Classification: Likely pathogenic for Pendred syndrome. Last evaluated: 2025-10-14. Review status: criteria provided, single submitter. Criteria: Natera Variant Classification Schema (03/2026). Collection method: clinical testing. Allele origin: germline.
Comment: The c.334C>T variant in SLC26A4 is a missense variant predicted to cause substitution of proline to serine at amino acid 112. This variant is rare in the general population with a frequency below the threshold expected for the associated phenotype(s). This variant has been observed in one or more individuals affected with the associated recessive disease, as either homozygous or compound heterozygous with a second variant (PMID: 34515852, 32747562, 26969326, 25372295, 17718863). Computational prediction algorithms indicate this variant is likely to affect gene or protein function. Given the available evidence, this variant is classified as Likely Pathogenic.

Baylor Genetics
Classification: Pathogenic for Autosomal recessive nonsyndromic hearing loss 4. Last evaluated: 2024-03-12. Review status: criteria provided, single submitter. Criteria: ACMG Guidelines, 2015. Collection method: clinical testing. Allele origin: unknown.

Labcorp Genetics (formerly Invitae), Labcorp
Classification: Pathogenic. Last evaluated: 2024-02-25. Review status: criteria provided, single submitter. Criteria: Invitae Variant Classification Sherloc (09022015). Collection method: clinical testing. Allele origin: germline.
Comment: This sequence change replaces proline, which is neutral and non-polar, with serine, which is neutral and polar, at codon 112 of the SLC26A4 protein (p.Pro112Ser). This variant is present in population databases (no rsID available, gnomAD 0.006%). This missense change has been observed in individual(s) with clinical features of Pendred syndrome and/or deafness (PMID: 17718863, 25372295, 26969326, 32747562). In at least one individual the data is consistent with being in trans (on the opposite chromosome) from a pathogenic variant. ClinVar contains an entry for this variant (Variation ID: 1334108). Advanced modeling of protein sequence and biophysical properties (such as structural, functional, and spatial information, amino acid conservation, physicochemical variation, residue mobility, and thermodynamic stability) performed at Invitae indicates that this missense variant is expected to disrupt SLC26A4 protein function with a positive predictive value of 95%. For these reasons, this variant has been classified as Pathogenic.

Fulgent Genetics
Classification: Likely pathogenic for Pendred syndrome; Autosomal recessive nonsyndromic hearing loss 4. Last evaluated: 2024-02-14. Review status: criteria provided, single submitter. Criteria: ACMG Guidelines, 2015. Collection method: clinical testing. Allele origin: germline.

King Laboratory, University of Washington
Classification: Likely pathogenic for Autosomal recessive nonsyndromic hearing loss 4. Last evaluated: 2020-08-01. Review status: criteria provided, single submitter. Criteria: Abu Rayyan A et al. (Proc Natl Acad Sci U S A 2020). Collection method: research. Allele origin: germline. Affected: yes.
Comment: SLC26A4 c.334C>T, p.P112S alters a conserved residue of SLC26A4. The variant is absent from 1300 Palestinian controls and present in 1/251420 alleles on gnomAD, as heterozygous.

Juno Genomics, Hangzhou Juno Genomics, Inc
Classification: Pathogenic for Autosomal recessive nonsyndromic hearing loss 4; Pendred syndrome. Review status: criteria provided, single submitter. Criteria: ACMG Guidelines, 2015. Collection method: clinical testing. Allele origin: germline. Affected: yes.
Comment: Absent from controls (or at extremely low frequency if recessive) in Genome Aggregation Database, Exome Sequencing Project, 1000 Genomes Project, or Exome Aggregation Consortium.;Multiple lines of computational evidence support a deleterious effect on the gene or gene product (conservation, evolutionary, splicing impact, etc).;For recessive disorders, detected in trans with a pathogenic variant.

Literature cited by the submitters: PubMed 34515852 (cited by Natera, Inc.); PubMed 32747562 (cited by Natera, Inc. and Labcorp Genetics (formerly Invitae), Labcorp); PubMed 26969326 (cited by Natera, Inc. and Labcorp Genetics (formerly Invitae), Labcorp); PubMed 25372295 (cited by Natera, Inc. and Labcorp Genetics (formerly Invitae), Labcorp); PubMed 17718863 (cited by Natera, Inc. and Labcorp Genetics (formerly Invitae), Labcorp).

NM_000441.2(SLC26A4):c.334C>T (p.Pro112Ser)

Gene: SLC26A4 (solute carrier family 26 member 4; plus strand). Cytogenetic location: 7q22.3.
Variant type: single nucleotide variant.
Coding change: c.334C>T on transcript NM_000441.2 (MANE Select); coding-DNA position 334, C replaced by T.
Protein change: p.Pro112Ser; replaces proline 112 with serine.
Molecular consequence: missense variant.
Genome position (GRCh38, 1-based): chr7:107,672,167, C>T. VCF-style: chr7-107672167-C-T. GRCh37 (hg19) VCF-style: chr7-107312612-C-T.
Other names: NM_000441.1:c.334C>T; short protein forms P112S.
Identifiers: ClinVar variation 1334108 (VCV001334108.15), dbSNP rs1409565648, ClinGen allele CA368846988.